The following is an entry in ClinVar:

ClinVar aggregate classification (germline): Uncertain significance. Review status: criteria provided, multiple submitters, no conflicts (2 of 4 stars). 2 submissions from 2 submitters: Uncertain significance (2). Last evaluated 2026-07-30.

Conditions:
Hereditary cancer-predisposing syndrome. Also called: Hereditary Cancer Syndrome; Hereditary neoplastic syndrome; Neoplastic Syndromes, Hereditary; Tumor predisposition. Identifiers: Orphanet 140162, MedGen C0027672, MeSH D009386, MONDO:0015356.

Submissions (2):

Ambry Genetics
Classification: Uncertain significance for Hereditary cancer-predisposing syndrome. Last evaluated: 2026-07-30. Review status: criteria provided, single submitter. Criteria: Ambry Variant Classification Scheme 2023. Collection method: clinical testing. Allele origin: germline.
Comment: The p.T772A variant (also known as c.2314A>G), located in coding exon 15 of the APC gene, results from an A to G substitution at nucleotide position 2314. The threonine at codon 772 is replaced by alanine, an amino acid with similar properties. This amino acid position is highly conserved in available vertebrate species. In addition, in silico predictors for this gene do not accurately predict pathogenicity. Missense variants in APC are not a common cause of disease (Spier I et al. Genet Med. 2024 Feb;26(2):100992). Based on the available evidence, the clinical significance of this variant remains unclear.

Color Diagnostics, LLC DBA Color Health
Classification: Uncertain significance for Hereditary cancer-predisposing syndrome. Last evaluated: 2024-12-17. Review status: criteria provided, single submitter. Criteria: ACMG Guidelines, 2015. Collection method: clinical testing. Allele origin: germline.
Comment: This missense variant replaces threonine with alanine at codon 772 of the APC protein. Computational prediction suggests that this variant may not impact protein structure and function (internally defined REVEL score threshold <= 0.5, PMID: 27666373). To our knowledge, functional studies have not been reported for this variant. This variant has not been reported in individuals affected with APC-related disorders in the literature. This variant has not been identified in the general population by the Genome Aggregation Database (gnomAD). The available evidence is insufficient to determine the role of this variant in disease conclusively. Therefore, this variant is classified as a Variant of Uncertain Significance.

NM_000038.6(APC):c.2314A>G (p.Thr772Ala)

Gene: APC (APC regulator of Wnt signaling pathway; plus strand). Cytogenetic location: 5q22.2.
Variant type: single nucleotide variant.
Coding change: c.2314A>G on transcript NM_000038.6 (MANE Select); coding-DNA position 2314, A replaced by G.
Protein change: p.Thr772Ala; replaces threonine 772 with alanine.
Molecular consequence: missense variant. On other transcripts: non-coding transcript variant (2).
Genome position (GRCh38, 1-based): chr5:112,837,908, A>G. VCF-style: chr5-112837908-A-G. GRCh37 (hg19) VCF-style: chr5-112173605-A-G.
Other names: c.2314A>G, p.Thr772Ala (NM_001127510.3, NM_001354895.2, NM_001407450.1); c.2260A>G, p.Thr754Ala (NM_001127511.3); c.2368A>G, p.Thr790Ala (NM_001354896.2, NM_001407447.1, NM_001407448.1 and 1 more transcripts); c.2344A>G, p.Thr782Ala (NM_001354897.2); c.2239A>G, p.Thr747Ala (NM_001354898.2); c.2230A>G, p.Thr744Ala (NM_001354899.2); c.2191A>G, p.Thr731Ala (NM_001354900.2); c.2137A>G, p.Thr713Ala (NM_001354901.2, NM_001407453.1); and 12 more; short protein forms T388A, T489A, T612A, T643A, T646A, T671A, T681A, T689A.
Identifiers: ClinVar variation 3893902 (VCV003893902.2).